The following is an entry in ClinVar:

NM_001330700.2(TOP2B):c.955G>A (p.Asp319Asn)

Gene: TOP2B (DNA topoisomerase II beta; minus strand). Cytogenetic location: 3p24.2.
Variant type: single nucleotide variant.
Coding change: c.955G>A on transcript NM_001330700.2 (MANE Select); coding-DNA position 955, G replaced by A.
Protein change: p.Asp319Asn; replaces aspartic acid 319 with asparagine.
Molecular consequence: missense variant.
Genome position (GRCh38, 1-based): chr3:25,633,912, C>T on the plus strand (G>A on the coding strand, the complement: TOP2B is on the minus strand). VCF-style: chr3-25633912-C-T. GRCh37 (hg19) VCF-style: chr3-25675403-C-T.
Other names: c.940G>A, p.Asp314Asn (NM_001068.3); c.940G>A (NM_001068.2); short protein forms D319N, D314N.
Identifiers: ClinVar variation 2907247 (VCV002907247.4), dbSNP rs376377866, ClinGen allele CA71656939.
Genomic context (GRCh38, chr3:25,633,912, plus strand): 5'-CAATACTATTTACAAAGCTGATTTGCTGGAATCCTTTTTCACTCAATGTGAGACAAACAT[C>T]CCATCTTTCATTTGCAAGCTCATGAATAACTTTCAGGGCCACCCCAGTTTCATCCAATTT-3'
Protein context (NP_001317629.1, residues 309-329): VIHELANERW[Asp319Asn]VCLTLSEKGF

ClinVar aggregate classification (germline): Uncertain significance. Review status: criteria provided, multiple submitters, no conflicts (2 of 4 stars). 2 submissions from 2 submitters: Uncertain significance (2). Last evaluated 2025-09-24.

Allele frequency attached by ClinVar (database versions not stated): TOPMed 0.00001; gnomAD 0.00002; ESP Exome Variant Server 0.00008.
gnomAD v4.1: 8 of 1,613,092 alleles (0.0005%); highest among the groups gnomAD compares: Non-Finnish European, 0.00068%; no homozygotes.

Submissions (2):

Labcorp Genetics (formerly Invitae), Labcorp
Classification: Uncertain significance. Last evaluated: 2025-09-24. Review status: criteria provided, single submitter. Criteria: Invitae Variant Classification Sherloc (09022015). Collection method: clinical testing. Allele origin: germline.
Comment: This sequence change replaces aspartic acid, which is acidic and polar, with asparagine, which is neutral and polar, at codon 314 of the TOP2B protein (p.Asp314Asn). This variant is present in population databases (rs376377866, gnomAD 0.002%). This variant has not been reported in the literature in individuals affected with TOP2B-related conditions. ClinVar contains an entry for this variant (Variation ID: 2907247). An algorithm developed to predict the effect of missense changes on protein structure and function (PolyPhen-2) suggests that this variant is likely to be tolerated. In summary, the available evidence is currently insufficient to determine the role of this variant in disease. Therefore, it has been classified as a Variant of Uncertain Significance.

Ambry Genetics
Classification: Uncertain significance. Last evaluated: 2023-12-21. Review status: criteria provided, single submitter. Criteria: Ambry Variant Classification Scheme 2023. Collection method: clinical testing. Allele origin: germline.